The following is an entry in ClinVar:

ClinVar aggregate classification (germline): Pathogenic (1 of 4 stars; one submission).

Conditions:
Angelman syndrome-like. Identifiers: MedGen CN128785.
Developmental and epileptic encephalopathy, 2 (DEE2). Also called: INFANTILE SPASM SYNDROME, X-LINKED 2; CDKL5 deficiency disorder. Identifiers: Orphanet 1934, Orphanet 3451, Orphanet 505652, MedGen C4750718, MONDO:0010396, OMIM 300672.

Submission:

Labcorp Genetics (formerly Invitae), Labcorp
Classification: Pathogenic for Developmental and epileptic encephalopathy, 2; Angelman syndrome-like. Last evaluated: 2020-06-28. Review status: criteria provided, single submitter. Criteria: Invitae Variant Classification Sherloc (09022015). Collection method: clinical testing. Allele origin: germline.
Comment: This variant has not been reported in the literature in individuals with CDKL5-related conditions. For these reasons, this variant has been classified as Pathogenic. Loss-of-function variants in CDKL5 are known to be pathogenic (PMID: 22872100). This variant is not present in population databases (ExAC no frequency). This sequence change creates a premature translational stop signal (p.Leu353Argfs*6) in the CDKL5 gene. It is expected to result in an absent or disrupted protein product.

Literature cited by the submitters: PubMed 22872100.

NM_001323289.2(CDKL5):c.1053_1056dup (p.Leu353fs)

Gene: CDKL5 (cyclin dependent kinase like 5; plus strand). Cytogenetic location: Xp22.13.
Variant type: Duplication.
Coding change: c.1053_1056dup on transcript NM_001323289.2 (MANE Select); coding-DNA positions 1053 to 1056, 4 bases duplicated (AGGC; older notation c.1053_1056dupAGGC).
Protein change: p.Leu353fs; shifts the reading frame from leucine 353.
Molecular consequence: frameshift variant.
Genome position (GRCh38, 1-based): chrX:18,603,977-18,603,980, AGGC duplicated. VCF-style (leftmost placement, unchanged base first): chrX-18603976-T-TAGGC. GRCh37 (hg19) VCF-style: chrX-18622096-T-TAGGC.
Other names: c.1053_1056dup, p.Leu353fs (NM_001037343.2, NM_003159.3); short protein forms L353fs.
Identifiers: ClinVar variation 1072660 (VCV001072660.7), dbSNP rs2147160237, ClinGen allele CA2499226535.